The following is an entry in ClinVar:

ClinVar aggregate classification (germline): Benign (1 of 4 stars; one submission).

Conditions:
Familial adenomatous polyposis 1 (FAP1). Also called: POLYPOSIS, ADENOMATOUS INTESTINAL; FAMILIAL ADENOMATOUS POLYPOSIS 1, ATTENUATED. Identifiers: MedGen C2713442, MONDO:0021056, OMIM 175100. Disease mechanism: loss of function.

Allele frequency attached by ClinVar (database versions not stated): gnomAD exomes below 0.00001; ExAC 0.00001.
gnomAD v4.1: 2 of 1,614,088 alleles (0.00012%); highest among the groups gnomAD compares: South Asian, 0.0011%; no homozygotes.

Submission:

Myriad Genetics, Inc.
Classification: Benign for Familial adenomatous polyposis 1. Last evaluated: 2024-03-25. Review status: criteria provided, single submitter. Criteria: Myriad Autosomal Dominant, Autosomal Recessive and X-Linked Classification Criteria (2023). Collection method: clinical testing. Allele origin: unknown.
Comment: This variant is considered benign. This variant is a silent/synonymous amino acid change and it is not expected to impact splicing.

NM_000038.6(APC):c.4137G>A (p.Glu1379=)

Gene: APC (APC regulator of Wnt signaling pathway; plus strand). Cytogenetic location: 5q22.2.
Variant type: single nucleotide variant.
Coding change: c.4137G>A on transcript NM_000038.6 (MANE Select); coding-DNA position 4137, G replaced by A.
Protein change: p.Glu1379=; no amino-acid change (glutamic acid 1379 retained).
Molecular consequence: synonymous variant. On other transcripts: non-coding transcript variant (2).
Genome position (GRCh38, 1-based): chr5:112,839,731, G>A. VCF-style: chr5-112839731-G-A. GRCh37 (hg19) VCF-style: chr5-112175428-G-A.
Other names: c.4137G>A, p.Glu1379= (NM_001127510.3, NM_001354895.2, NM_001407450.1); c.4083G>A, p.Glu1361= (NM_001127511.3); c.4191G>A, p.Glu1397= (NM_001354896.2, NM_001407447.1, NM_001407448.1 and 1 more transcripts); c.4167G>A, p.Glu1389= (NM_001354897.2); c.4062G>A, p.Glu1354= (NM_001354898.2); c.4053G>A, p.Glu1351= (NM_001354899.2); c.4014G>A, p.Glu1338= (NM_001354900.2); c.3960G>A, p.Glu1320= (NM_001354901.2, NM_001407453.1); and 11 more.
Identifiers: ClinVar variation 3148197 (VCV003148197.1), dbSNP rs754292742, ClinGen allele CA037728.